The following is an entry in ClinVar:

NM_014915.3(ANKRD26):c.4934T>C (p.Met1645Thr)

Gene: ANKRD26 (ankyrin repeat domain containing 26; minus strand). Cytogenetic location: 10p12.1.
Variant type: single nucleotide variant.
Coding change: c.4934T>C on transcript NM_014915.3 (MANE Select); coding-DNA position 4934, T replaced by C.
Protein change: p.Met1645Thr; replaces methionine 1645 with threonine.
Molecular consequence: missense variant.
Genome position (GRCh38, 1-based): chr10:27,012,901, A>G on the plus strand (T>C on the coding strand, the complement: ANKRD26 is on the minus strand). VCF-style: chr10-27012901-A-G. GRCh37 (hg19) VCF-style: chr10-27301830-A-G.
Other names: c.4931T>C, p.Met1644Thr (NM_001256053.2); short protein forms M1644T, M1645T.
Identifiers: ClinVar variation 3343325 (VCV003343325.2).

ClinVar aggregate classification (germline): Uncertain significance. Review status: criteria provided, multiple submitters, no conflicts (2 of 4 stars). 2 submissions from 2 submitters: Uncertain significance (2). Last evaluated 2025-05-03.

Conditions:
Inborn genetic diseases. Identifiers: MedGen C0950123, MeSH D030342.

Submissions (2):

Ambry Genetics
Classification: Uncertain significance for Inborn genetic diseases. Last evaluated: 2025-05-03. Review status: criteria provided, single submitter. Criteria: Ambry Variant Classification Scheme 2023. Collection method: clinical testing. Allele origin: germline.
Comment: The p.M1645T variant (also known as c.4934T>C), located in coding exon 32 of the ANKRD26 gene, results from a T to C substitution at nucleotide position 4934. The methionine at codon 1645 is replaced by threonine, an amino acid with similar properties. This amino acid position is conserved. In addition, this alteration is predicted to be tolerated by in silico analysis. Based on the available evidence, the clinical significance of this variant remains unclear.

GeneDx
Classification: Uncertain significance. Last evaluated: 2023-05-03. Review status: criteria provided, single submitter. Criteria: GeneDx Variant Classification Process June 2021. Collection method: clinical testing. Allele origin: germline. Affected: yes.
Comment: Not observed at significant frequency in large population cohorts (gnomAD); In silico analysis supports that this missense variant has a deleterious effect on protein structure/function; Has not been previously published as pathogenic or benign to our knowledge